The following is an entry in ClinVar:

ClinVar aggregate classification (germline): Uncertain significance (1 of 4 stars; one submission).

Submission:

Labcorp Genetics (formerly Invitae), Labcorp
Classification: Uncertain significance. Last evaluated: 2025-01-06. Review status: criteria provided, single submitter. Criteria: Invitae Variant Classification Sherloc (09022015). Collection method: clinical testing. Allele origin: germline.
Comment: This variant, c.727_729del, results in the deletion of 1 amino acid(s) of the GJB3 protein (p.His243del), but otherwise preserves the integrity of the reading frame. This variant is not present in population databases (gnomAD no frequency). This variant has not been reported in the literature in individuals affected with GJB3-related conditions. Experimental studies and prediction algorithms are not available or were not evaluated, and the functional significance of this variant is currently unknown. In summary, the available evidence is currently insufficient to determine the role of this variant in disease. Therefore, it has been classified as a Variant of Uncertain Significance.

NM_024009.3(GJB3):c.724CAC[1] (p.His243del)

Gene: GJB3 (gap junction protein beta 3; plus strand). Cytogenetic location: 1p34.3.
Variant type: Microsatellite.
Coding change: c.724CAC[1] on transcript NM_024009.3 (MANE Select); one copy of the 3-base unit CAC starting at c.724; the reference has two copies in a row; one copy, 3 bases deleted.
Protein change: p.His243del; deletes histidine 243.
Molecular consequence: inframe deletion.
Genome position (GRCh38, 1-based): chr1:34,785,489-34,785,491, CAC deleted; deleting any 3 consecutive bases within chr1:34,785,485-34,785,491 gives the same sequence; the position shown is the placement nearest the transcript's 3' end. VCF-style (leftmost placement, unchanged base first): chr1-34785484-GCCA-G. GRCh37 (hg19) VCF-style: chr1-35251085-GCCA-G.
Other names: c.724CAC[1], p.His243del (NM_001005752.2); short protein forms H243del.
Identifiers: ClinVar variation 1505306 (VCV001505306.6), dbSNP rs1640097653, ClinGen allele CA1162033441.
Genomic context (GRCh38, chr1:34,785,484, plus strand): 5'-ACAAGCCTCGAGGGGGTTGCAGCCCCTCGTCCTCCGCCAGCCGAGCTTCCACCTGCCGCT[GCCA>G]CCACAAGCTGGTGGAGGCTGGGGAGGTGGATCCAGACCCAGGCAATAACAAGCTGCAGGC-3'